The following is an entry in ClinVar:

ClinVar aggregate classification (germline): Conflicting classifications of pathogenicity. Review status: criteria provided, conflicting classifications (1 of 4 stars). 2 submissions from 2 submitters: Uncertain significance (1); Likely benign (1). Last evaluated 2025-01-24.

Conditions:
H1-4-related disorder. Also called: H1-4-related condition.

gnomAD v4.1: 142 of 1,613,658 alleles (0.0088%); highest among the groups gnomAD compares: Non-Finnish European, 0.011%; no homozygotes.

Submissions (2):

PreventionGenetics, part of Exact Sciences
Classification: Uncertain significance for H1-4-related condition. Last evaluated: 2025-01-24. Review status: criteria provided, single submitter. Criteria: ACMG Guidelines, 2015. Collection method: clinical testing. Allele origin: germline.
Comment: The H1-4 c.368C>T variant is predicted to result in the amino acid substitution p.Ala123Val. To our knowledge, this variant has not been reported in the literature. This variant is reported in 0.0099% of alleles in individuals of European (Non-Finnish) descent in gnomAD. At this time, the clinical significance of this variant is uncertain due to the absence of conclusive functional and genetic evidence.

Ambry Genetics
Classification: Likely benign. Last evaluated: 2024-09-26. Review status: criteria provided, single submitter. Criteria: Ambry Variant Classification Scheme 2023. Collection method: clinical testing. Allele origin: germline.

NM_005321.3(H1-4):c.368C>T (p.Ala123Val)

Gene: H1-4 (H1.4 linker histone, cluster member; plus strand). Cytogenetic location: 6p22.2.
Variant type: single nucleotide variant.
Coding change: c.368C>T on transcript NM_005321.3 (MANE Select); coding-DNA position 368, C replaced by T.
Protein change: p.Ala123Val; replaces alanine 123 with valine.
Molecular consequence: missense variant.
Genome position (GRCh38, 1-based): chr6:26,156,758, C>T. VCF-style: chr6-26156758-C-T. GRCh37 (hg19) VCF-style: chr6-26156986-C-T.
Other names: short protein forms A123V.
Identifiers: ClinVar variation 3523585 (VCV003523585.2).